The following is an entry in ClinVar:

ClinVar aggregate classification (germline): Likely pathogenic (1 of 4 stars; one submission).

Conditions:
Pitt-Hopkins syndrome (PTHS). Also called: MENTAL RETARDATION, SYNDROMAL, WITH INTERMITTENT HYPERVENTILATION; ENCEPHALOPATHY, SEVERE EPILEPTIC, WITH AUTONOMIC DYSFUNCTION. Identifiers: Orphanet 2896, MedGen C1970431, MONDO:0012589, OMIM 610954.

Submission:

Labcorp Genetics (formerly Invitae), Labcorp
Classification: Likely pathogenic for Pitt-Hopkins syndrome. Last evaluated: 2025-01-30. Review status: criteria provided, single submitter. Criteria: Invitae Variant Classification Sherloc (09022015). Collection method: clinical testing. Allele origin: germline.
Comment: This sequence change falls in intron 16 of the TCF4 gene. It does not directly change the encoded amino acid sequence of the TCF4 protein. It affects a nucleotide within the consensus splice site. This variant is not present in population databases (gnomAD no frequency). This variant has been observed in individual(s) with clinical features of TCF4-related conditions (PMID: 37471090). In at least one individual the variant was observed to be de novo. Variants that disrupt the consensus splice site are a relatively common cause of aberrant splicing (PMID: 17576681, 9536098). Algorithms developed to predict the effect of sequence changes on RNA splicing suggest that this variant may disrupt the consensus splice site. In summary, the currently available evidence indicates that the variant is pathogenic, but additional data are needed to prove that conclusively. Therefore, this variant has been classified as Likely Pathogenic.

Literature cited by the submitters: PubMed 37471090; PubMed 17576681; PubMed 9536098.

NM_001083962.2(TCF4):c.1486+5del

Gene: TCF4 (transcription factor 4; minus strand). Cytogenetic location: 18q21.2.
Variant type: Deletion.
Coding change: c.1486+5del on transcript NM_001083962.2 (MANE Select); 5 bases into the intron after coding-DNA position 1486, one base deleted (G; older notation c.1486+5delG).
Molecular consequence: intron variant.
Genome position (GRCh38, 1-based): chr18:55,234,543, C deleted on the plus strand (G on the coding strand, the reverse complement: TCF4 is on the minus strand); the first of 2 consecutive C bases (chr18:55,234,543-55,234,544); deleting either gives the same sequence. VCF-style (leftmost placement, unchanged base first): chr18-55234542-AC-A. GRCh37 (hg19) VCF-style: chr18-52901773-AC-A.
Other names: c.1792+5del (NM_001243226.3); c.1411+5del (NM_001369584.1, NM_001369576.1, NM_001369577.1 and 6 more transcripts); c.1414+5del (NM_001369582.1, NM_001243227.2, NM_001369583.1 and 5 more transcripts); c.1417+5del (NM_001369586.1); c.1486+5del (NM_001369571.1, NM_001369567.1, NM_001369572.1 and 2 more transcripts); c.1504+5del (NM_001243228.2); c.1477+5del (NM_001243230.2); c.1483+5del (NM_001369569.1, NM_001369573.1, NM_001369570.1 and 2 more transcripts); and 6 more.
Identifiers: ClinVar variation 3724311 (VCV003724311.2).